The following is an entry in ClinVar:

NM_024675.4(PALB2):c.2254G>C (p.Gly752Arg)

Gene: PALB2 (partner and localizer of BRCA2; minus strand). Cytogenetic location: 16p12.2.
Variant type: single nucleotide variant.
Coding change: c.2254G>C on transcript NM_024675.4 (MANE Select); coding-DNA position 2254, G replaced by C.
Protein change: p.Gly752Arg; replaces glycine 752 with arginine.
Molecular consequence: missense variant. On other transcripts: intron variant (1).
Genome position (GRCh38, 1-based): chr16:23,629,900, C>G on the plus strand (G>C on the coding strand, the complement: PALB2 is on the minus strand). VCF-style: chr16-23629900-C-G. GRCh37 (hg19) VCF-style: chr16-23641221-C-G.
Other names: c.2194G>C, p.Gly732Arg (NM_001407296.1); c.2254G>C, p.Gly752Arg (NM_001407297.1, NM_001407298.1, NM_001407299.1 and 3 more transcripts); c.1369G>C, p.Gly457Arg (NM_001407305.1, NM_001407306.1, NM_001407307.1 and 5 more transcripts); c.466G>C, p.Gly156Arg (NM_001407312.1, NM_001407313.1); c.49-625G>C (NM_001407314.1); short protein forms G732R, G156R, G457R, G752R.
Identifiers: ClinVar variation 5026148 (VCV005026148.1).

ClinVar aggregate classification (germline): Uncertain significance (1 of 4 stars; one submission).

Conditions:
Hereditary cancer-predisposing syndrome. Also called: Neoplastic Syndromes, Hereditary; Tumor predisposition; Hereditary neoplastic syndrome; Hereditary Cancer Syndrome. Identifiers: Orphanet 140162, MedGen C0027672, MeSH D009386, MONDO:0015356.

Submission:

Ambry Genetics
Classification: Uncertain significance for Hereditary cancer-predisposing syndrome. Last evaluated: 2026-07-02. Review status: criteria provided, single submitter. Criteria: Ambry Variant Classification Scheme 2023. Collection method: clinical testing. Allele origin: germline.
Comment: The p.G752R variant (also known as c.2254G>C), located in coding exon 5 of the PALB2 gene, results from a G to C substitution at nucleotide position 2254. The glycine at codon 752 is replaced by arginine, an amino acid with dissimilar properties. This amino acid position is conserved. In addition, this alteration is predicted to be tolerated by in silico analysis. Based on the available evidence, the clinical significance of this variant remains unclear.